The following is an entry in ClinVar:

NM_004525.3(LRP2):c.13114G>A (p.Glu4372Lys)

Gene: LRP2 (LDL receptor related protein 2; minus strand). Cytogenetic location: 2q31.1.
Variant type: single nucleotide variant.
Coding change: c.13114G>A on transcript NM_004525.3 (MANE Select); coding-DNA position 13114, G replaced by A.
Protein change: p.Glu4372Lys; replaces glutamic acid 4372 with lysine.
Molecular consequence: missense variant.
Genome position (GRCh38, 1-based): chr2:169,140,540, C>T on the plus strand (G>A on the coding strand, the complement: LRP2 is on the minus strand). VCF-style: chr2-169140540-C-T. GRCh37 (hg19) VCF-style: chr2-169997050-C-T.
Other names: short protein forms E4372K.
Identifiers: ClinVar variation 1436458 (VCV001436458.7), dbSNP rs769081497, ClinGen allele CA349158339.
Genomic context (GRCh38, chr2:169,140,540, plus strand): 5'-CAAAATAGCAATTTCCTCCGTGCATGCACCTGCATGGGGGGGGCAGGTTGATAGGCAGTT[C>T]GATGGCTGCAGGAAGGGAAAGCCATGCAGGTGTTAGTCAGCTGTACTCAGCAGAGTGCCC-3'
Protein context (NP_004516.2, residues 4362-4382): GSTTECDAAI[Glu4372Lys]LPINLPPPCR

ClinVar aggregate classification (germline): Uncertain significance (1 of 4 stars; one submission).

Allele frequency attached by ClinVar (database versions not stated): gnomAD 0.00001.
gnomAD v4.1: 5 of 1,612,958 alleles (0.00031%); highest among the groups gnomAD compares: Non-Finnish European, 0.00042%; no homozygotes.

Submission:

Labcorp Genetics (formerly Invitae), Labcorp
Classification: Uncertain significance. Last evaluated: 2021-06-19. Review status: criteria provided, single submitter. Criteria: Invitae Variant Classification Sherloc (09022015). Collection method: clinical testing. Allele origin: germline.
Comment: This sequence change replaces glutamic acid with lysine at codon 4372 of the LRP2 protein (p.Glu4372Lys). The glutamic acid residue is highly conserved and there is a small physicochemical difference between glutamic acid and lysine. This variant is not present in population databases (ExAC no frequency). This variant has been observed in individual(s) with heterotaxy (PMID: 23665959, 28991257). Algorithms developed to predict the effect of missense changes on protein structure and function are either unavailable or do not agree on the potential impact of this missense change (SIFT: "Deleterious"; PolyPhen-2: "Possibly Damaging"; Align-GVGD: "Class C0"). In summary, the available evidence is currently insufficient to determine the role of this variant in disease. Therefore, it has been classified as a Variant of Uncertain Significance.

Literature cited by the submitters: PubMed 23665959; PubMed 28991257.